The following is an entry in ClinVar:

NM_000368.5(TSC1):c.1506C>T (p.Gly502=)

Gene: TSC1 (TSC complex subunit 1; minus strand). Cytogenetic location: 9q34.13.
Variant type: single nucleotide variant.
Coding change: c.1506C>T on transcript NM_000368.5 (MANE Select); coding-DNA position 1506, C replaced by T.
Protein change: p.Gly502=; no amino-acid change (glycine 502 retained).
Molecular consequence: synonymous variant.
Genome position (GRCh38, 1-based): chr9:132,906,072, G>A on the plus strand (C>T on the coding strand, the complement: TSC1 is on the minus strand). VCF-style: chr9-132906072-G-A. GRCh37 (hg19) VCF-style: chr9-135781459-G-A.
Other names: c.1503C>T, p.Gly501= (NM_001162426.2); c.1353C>T, p.Gly451= (NM_001162427.2); c.1143C>T, p.Gly381= (NM_001362177.2).
Identifiers: ClinVar variation 237700 (VCV000237700.23), dbSNP rs772337076, ClinGen allele CA028914.

ClinVar aggregate classification (germline): Benign/Likely benign. Review status: criteria provided, multiple submitters, no conflicts (2 of 4 stars). 8 submissions from 8 submitters: Benign (3); Likely benign (5). Last evaluated 2026-01-18.

Conditions:
TSC1-related disorder. Also called: TSC1-related condition.
Hereditary cancer-predisposing syndrome. Also called: Neoplastic Syndromes, Hereditary; Hereditary neoplastic syndrome; Hereditary Cancer Syndrome; Tumor predisposition. Identifiers: Orphanet 140162, MedGen C0027672, MeSH D009386, MONDO:0015356.
Isolated focal cortical dysplasia type II (FCORD2). Also called: CORTICAL DYSPLASIA OF TAYLOR; Focal cortical dysplasia type II. Identifiers: Orphanet 268994, MedGen C1846385, MONDO:0011818, OMIM 607341, HP:0032051.
Lymphangiomyomatosis (LAM). Also called: Lymphangioleiomyomatosis, somatic; Lymphangioleiomyomatosis. Identifiers: Orphanet 538, MedGen C0751674, MONDO:0011705, OMIM 606690.
Tuberous sclerosis 1 (TSC1). Identifiers: Orphanet 805, MedGen C1854465, MONDO:0008612, OMIM 191100.
Tuberous sclerosis syndrome (TSC). Also called: Tuberous sclerosis; Tuberous Sclerosis Complex. Identifiers: Orphanet 805, MedGen C0041341, MONDO:0001734.

Allele frequency attached by ClinVar (database versions not stated): gnomAD exomes 0.00002; ExAC 0.00003; gnomAD 0.00003 and 0.00004; TOPMed 0.00003.
gnomAD v4.1: 41 of 1,613,946 alleles (0.0025%); highest among the groups gnomAD compares: Admixed American, 0.005%; no homozygotes.

Submissions (8):

Labcorp Genetics (formerly Invitae), Labcorp
Classification: Benign for Tuberous sclerosis 1. Last evaluated: 2026-01-18. Review status: criteria provided, single submitter. Criteria: Invitae Variant Classification Sherloc (09022015). Collection method: clinical testing. Allele origin: germline.

PreventionGenetics, part of Exact Sciences
Classification: Likely benign for TSC1-related condition. Last evaluated: 2025-05-20. Review status: criteria provided, single submitter. Criteria: ACMG Guidelines, 2015. Collection method: clinical testing. Allele origin: germline.
Comment: This variant is classified as likely benign based on ACMG/AMP sequence variant interpretation guidelines (Richards et al. 2015 PMID: 25741868, with internal and published modifications).

Myriad Genetics, Inc.
Classification: Benign for Tuberous sclerosis 1. Last evaluated: 2025-04-09. Review status: criteria provided, single submitter. Criteria: Myriad Autosomal Dominant, Autosomal Recessive and X-Linked Classification Criteria (2023). Collection method: clinical testing. Allele origin: unknown.
Comment: This variant is considered benign. This variant is a silent/synonymous amino acid change and it is not expected to impact splicing.

Color Diagnostics, LLC DBA Color Health
Classification: Likely benign for Tuberous sclerosis syndrome. Last evaluated: 2022-11-06. Review status: criteria provided, single submitter. Criteria: ACMG Guidelines, 2015. Collection method: clinical testing. Allele origin: germline.

Genome-Nilou Lab
Classification: Benign for Tuberous sclerosis 1. Last evaluated: 2021-11-07. Review status: criteria provided, single submitter. Criteria: ACMG Guidelines, 2015. Collection method: clinical testing. Allele origin: germline. Affected: no.

Fulgent Genetics
Classification: Likely benign for Tuberous sclerosis 1; Lymphangiomyomatosis; Isolated focal cortical dysplasia type II. Last evaluated: 2021-08-09. Review status: criteria provided, single submitter. Criteria: ACMG Guidelines, 2015. Collection method: clinical testing. Allele origin: unknown.

Sema4
Classification: Likely benign for Hereditary cancer-predisposing syndrome. Last evaluated: 2021-04-22. Review status: criteria provided, single submitter. Criteria: Sema4 Curation Guidelines. Collection method: curation. Allele origin: germline.

Ambry Genetics
Classification: Likely benign for Hereditary cancer-predisposing syndrome. Last evaluated: 2016-04-18. Review status: criteria provided, single submitter. Criteria: Ambry Variant Classification Scheme 2023. Collection method: clinical testing. Allele origin: germline.